The following is an entry in ClinVar:

NM_001042492.3(NF1):c.3495A>C (p.Ile1165=)

Gene: NF1 (neurofibromin 1; plus strand). Cytogenetic location: 17q11.2.
Variant type: single nucleotide variant.
Coding change: c.3495A>C on transcript NM_001042492.3 (MANE Select); coding-DNA position 3495, A replaced by C.
Protein change: p.Ile1165=; no amino-acid change (isoleucine 1165 retained).
Molecular consequence: synonymous variant.
Genome position (GRCh38, 1-based): chr17:31,232,880, A>C. VCF-style: chr17-31232880-A-C. GRCh37 (hg19) VCF-style: chr17-29559898-A-C.
Other names: c.3495A>C, p.Ile1165= (NM_000267.4).
Identifiers: ClinVar variation 234044 (VCV000234044.3), dbSNP rs876660814, ClinGen allele CA10580284.
Genomic context (GRCh38, chr17:31,232,880, plus strand): 5'-GGTCCTTGCAATGTCAAACTTACTCAATGCCAACGTAGACAGTGGTCTCATGCACTCCAT[A>C]GGTGAGATCAAATGAAAGTTTCATATAGAAATACAAAACCTAGAGAACTGGCATGTAAGA-3'
Protein context (NP_001035957.1, residues 1155-1175): ANVDSGLMHS[Ile1165=]GLGYHKDLQT

ClinVar aggregate classification (germline): Likely benign (1 of 4 stars; one submission).

Conditions:
Hereditary cancer-predisposing syndrome. Also called: Neoplastic Syndromes, Hereditary; Tumor predisposition; Hereditary Cancer Syndrome; Hereditary neoplastic syndrome. Identifiers: Orphanet 140162, MedGen C0027672, MeSH D009386, MONDO:0015356.

Submission:

Ambry Genetics
Classification: Likely benign for Hereditary cancer-predisposing syndrome. Last evaluated: 2015-09-14. Review status: criteria provided, single submitter. Criteria: Ambry Autosomal Dominant and X-Linked criteria (10/2015). Collection method: clinical testing. Allele origin: germline. Observed: 1 variant allele.
Comment: Synonymous alterations with insufficient evidence to classify as benign